The following is an entry in ClinVar:

ClinVar aggregate classification (germline): Likely benign (0 of 4 stars; one submission).

Conditions:
ASPH-related disorder. Also called: ASPH-related condition.

Allele frequency attached by ClinVar (database versions not stated): gnomAD exomes 0.00005; TOPMed 0.00005; gnomAD 0.00006; ExAC 0.00015; 1000 Genomes Project 30x 0.00047; 1000 Genomes Project 0.00060.
gnomAD v4.1: 87 of 1,614,046 alleles (0.0054%); highest among the groups gnomAD compares: East Asian, 0.18%; no homozygotes.

Submission:

PreventionGenetics, part of Exact Sciences
Classification: Likely benign for ASPH-related condition. Last evaluated: 2024-02-13. Review status: no assertion criteria provided. Collection method: clinical testing. Allele origin: germline.
Comment: This variant is classified as likely benign based on ACMG/AMP sequence variant interpretation guidelines (Richards et al. 2015 PMID: 25741868, with internal and published modifications).

NM_004318.4(ASPH):c.1263G>A (p.Leu421=)

Gene: ASPH (aspartate beta-hydroxylase; minus strand). Cytogenetic location: 8q12.3.
Variant type: single nucleotide variant.
Coding change: c.1263G>A on transcript NM_004318.4 (MANE Select); coding-DNA position 1263, G replaced by A.
Protein change: p.Leu421=; no amino-acid change (leucine 421 retained).
Molecular consequence: synonymous variant. On other transcripts: intron variant (1).
Genome position (GRCh38, 1-based): chr8:61,567,205, C>T on the plus strand (G>A on the coding strand, the complement: ASPH is on the minus strand). VCF-style: chr8-61567205-C-T. GRCh37 (hg19) VCF-style: chr8-62479764-C-T.
Other names: c.1176G>A, p.Leu392= (NM_001164750.2, NM_001413864.1, NM_001413865.1 and 1 more transcripts); c.1263G>A, p.Leu421= (NM_001413844.1, NM_001413849.1, NM_001413891.1); c.1308G>A, p.Leu436= (NM_001413845.1); c.1305G>A, p.Leu435= (NM_001413846.1); c.1206G>A, p.Leu402= (NM_001413847.1, NM_001413860.1, NM_001413896.1); c.1266G>A, p.Leu422= (NM_001413848.1); c.1260G>A, p.Leu420= (NM_001413850.1, NM_001413851.1, NM_001413893.1); c.1251G>A, p.Leu417= (NM_001413852.1); and 33 more.
Identifiers: ClinVar variation 3037021 (VCV003037021.2), dbSNP rs138163443, ClinGen allele CA4761800.